The following is an entry in ClinVar:

ClinVar aggregate classification (germline): Uncertain significance (1 of 4 stars; one submission).

gnomAD v4.1: 10 of 1,441,364 alleles (0.00069%); highest among the groups gnomAD compares: Admixed American, 0.0034%; no homozygotes.

Submission:

Labcorp Genetics (formerly Invitae), Labcorp
Classification: Uncertain significance. Last evaluated: 2024-03-07. Review status: criteria provided, single submitter. Criteria: Invitae Variant Classification Sherloc (09022015). Collection method: clinical testing. Allele origin: germline.
Comment: This sequence change affects a donor splice site in intron 6 of the GUCY2C gene. It is expected to disrupt RNA splicing. Variants that disrupt the donor or acceptor splice site typically lead to a loss of protein function (PMID: 16199547), however the current clinical and genetic evidence is not sufficient to establish whether loss-of-function variants in GUCY2C cause disease. This variant is present in population databases (rs780582689, gnomAD 0.003%). This variant has not been reported in the literature in individuals affected with GUCY2C-related conditions. Algorithms developed to predict the effect of sequence changes on RNA splicing suggest that this variant may disrupt the consensus splice site. In summary, the available evidence is currently insufficient to determine the role of this variant in disease. Therefore, it has been classified as a Variant of Uncertain Significance.

Literature cited by the submitters: PubMed 16199547.

NM_004963.4(GUCY2C):c.830+2T>C

Genes: GUCY2C (guanylate cyclase 2C; minus strand), GUCY2C-AS1 (GUCY2C antisense RNA 1; plus strand). Cytogenetic location: 12p12.3.
Variant type: single nucleotide variant.
Coding change: c.830+2T>C on transcript NM_004963.4 (MANE Select); the canonical splice donor site of the intron after coding-DNA position 830, T replaced by C.
Molecular consequence: splice donor variant.
Genome position (GRCh38, 1-based): chr12:14,679,655, A>G on the plus strand (T>C on the coding strand, the complement: GUCY2C is on the minus strand). VCF-style: chr12-14679655-A-G. GRCh37 (hg19) VCF-style: chr12-14832589-A-G.
Identifiers: ClinVar variation 3619414 (VCV003619414.2).